The following is an entry in ClinVar:

ClinVar aggregate classification (germline): Uncertain significance. Review status: criteria provided, multiple submitters, no conflicts (2 of 4 stars). 2 submissions from 2 submitters: Uncertain significance (2). Last evaluated 2025-04-12.

Allele frequency attached by ClinVar (database versions not stated): ExAC 0.00001; gnomAD 0.00001; TOPMed 0.00001; gnomAD exomes 0.00005.
gnomAD v4.1: 70 of 1,612,994 alleles (0.0043%); highest among the groups gnomAD compares: Non-Finnish European, 0.0058%; no homozygotes.

Submissions (2):

Ambry Genetics
Classification: Uncertain significance. Last evaluated: 2025-04-12. Review status: criteria provided, single submitter. Criteria: Ambry Variant Classification Scheme 2023. Collection method: clinical testing. Allele origin: germline.

Labcorp Genetics (formerly Invitae), Labcorp
Classification: Uncertain significance. Last evaluated: 2025-02-24. Review status: criteria provided, single submitter. Criteria: Invitae Variant Classification Sherloc (09022015). Collection method: clinical testing. Allele origin: germline.
Comment: This sequence change replaces isoleucine, which is neutral and non-polar, with threonine, which is neutral and polar, at codon 118 of the MS4A1 protein (p.Ile118Thr). This variant is present in population databases (rs199860984, gnomAD 0.002%). This variant has not been reported in the literature in individuals affected with MS4A1-related conditions. ClinVar contains an entry for this variant (Variation ID: 1945246). An algorithm developed to predict the effect of missense changes on protein structure and function (PolyPhen-2) suggests that this variant is likely to be disruptive. In summary, the available evidence is currently insufficient to determine the role of this variant in disease. Therefore, it has been classified as a Variant of Uncertain Significance.

NM_152866.3(MS4A1):c.353T>C (p.Ile118Thr)

Gene: MS4A1 (membrane spanning 4-domains A1; plus strand). Cytogenetic location: 11q12.2.
Variant type: single nucleotide variant.
Coding change: c.353T>C on transcript NM_152866.3 (MANE Select); coding-DNA position 353, T replaced by C.
Protein change: p.Ile118Thr; replaces isoleucine 118 with threonine.
Molecular consequence: missense variant.
Genome position (GRCh38, 1-based): chr11:60,465,937, T>C. VCF-style: chr11-60465937-T-C. GRCh37 (hg19) VCF-style: chr11-60233410-T-C.
Other names: c.353T>C, p.Ile118Thr (NM_021950.4, NM_152867.2); short protein forms I118T.
Identifiers: ClinVar variation 1945246 (VCV001945246.6), dbSNP rs199860984, ClinGen allele CA6024984.